The following is an entry in ClinVar:

NM_201384.3(PLEC):c.9616G>A (p.Gly3206Arg)

Gene: PLEC (plectin; minus strand). Cytogenetic location: 8q24.3.
Variant type: single nucleotide variant.
Coding change: c.9616G>A on transcript NM_201384.3 (MANE Select); coding-DNA position 9616, G replaced by A.
Protein change: p.Gly3206Arg; replaces glycine 3206 with arginine.
Molecular consequence: missense variant.
Genome position (GRCh38, 1-based): chr8:143,920,205, C>T on the plus strand (G>A on the coding strand, the complement: PLEC is on the minus strand). VCF-style: chr8-143920205-C-T. GRCh37 (hg19) VCF-style: chr8-144994373-C-T.
Other names: c.9697G>A, p.Gly3233Arg (NM_000445.5); c.9574G>A, p.Gly3192Arg (NM_201378.4); c.9550G>A, p.Gly3184Arg (NM_201379.3); c.10027G>A, p.Gly3343Arg (NM_201380.4); c.9520G>A, p.Gly3174Arg (NM_201381.3); c.9616G>A, p.Gly3206Arg (NM_201382.4); c.9628G>A, p.Gly3210Arg (NM_201383.3); short protein forms G3174R, G3184R, G3210R, G3343R, G3206R, G3233R, G3192R.
Identifiers: ClinVar variation 955856 (VCV000955856.16), dbSNP rs782594100, ClinGen allele CA4924910.

ClinVar aggregate classification (germline): Uncertain significance. Review status: criteria provided, multiple submitters, no conflicts (2 of 4 stars). 4 submissions from 4 submitters: Uncertain significance (4). Last evaluated 2025-11-08.

Conditions:
Epidermolysis bullosa simplex 5C, with pyloric atresia (EBS5C). Also called: PLEC-Related Epidermolysis Bullosa with Pyloric Atresia; Epidermolysis bullosa simplex with pyloric atresia; PLEC1-Related Epidermolysis Bullosa with Pyloric Atresia. Identifiers: Orphanet 158684, MedGen C2677349, MONDO:0012807, OMIM 612138.
Epidermolysis bullosa simplex 5B, with muscular dystrophy (EBS5B). Also called: Epidermolysis bullosa simplex with muscular dystrophy; EPIDERMOLYSIS BULLOSA SIMPLEX AND LIMB-GIRDLE MUSCULAR DYSTROPHY. Identifiers: Orphanet 257, MedGen C2931072, MONDO:0009181, OMIM 226670.
Epidermolysis bullosa simplex, Ogna type (EBS5A). Also called: Pidermolysis bullosa simplex 5A, Ogna type; EPIDERMOLYSIS BULLOSA SIMPLEX 5A, OGNA TYPE. Identifiers: Orphanet 79401, MedGen C0432317, MONDO:0007555, OMIM 131950.
Autosomal recessive limb-girdle muscular dystrophy type 2Q (LGMDR17). Also called: MUSCULAR DYSTROPHY, LIMB-GIRDLE, AUTOSOMAL RECESSIVE 17. Identifiers: Orphanet 254361, MedGen C3150989, MONDO:0013390, OMIM 613723.
Epidermolysis bullosa simplex with nail dystrophy (EBS5D). Identifiers: MedGen C4225309, MONDO:0014661, OMIM 616487.

Allele frequency attached by ClinVar (database versions not stated): ExAC 0.00001; gnomAD exomes 0.00003.
gnomAD v4.1: 34 of 1,609,218 alleles (0.0021%); highest among the groups gnomAD compares: South Asian, 0.0055%; no homozygotes.

Submissions (4):

Labcorp Genetics (formerly Invitae), Labcorp
Classification: Uncertain significance for Autosomal recessive limb-girdle muscular dystrophy type 2Q; Epidermolysis bullosa simplex, Ogna type; Epidermolysis bullosa simplex with nail dystrophy; Epidermolysis bullosa simplex 5C, with pyloric atresia; Epidermolysis bullosa simplex 5B, with muscular dystrophy. Last evaluated: 2025-11-08. Review status: criteria provided, single submitter. Criteria: Invitae Variant Classification Sherloc (09022015). Collection method: clinical testing. Allele origin: germline.
Comment: This sequence change replaces glycine, which is neutral and non-polar, with arginine, which is basic and polar, at codon 3233 of the PLEC protein (p.Gly3233Arg). This variant is present in population databases (rs782594100, gnomAD 0.007%). This variant has not been reported in the literature in individuals affected with PLEC-related conditions. ClinVar contains an entry for this variant (Variation ID: 955856). An algorithm developed to predict the effect of missense changes on protein structure and function (PolyPhen-2) suggests that this variant is likely to be disruptive. In summary, the available evidence is currently insufficient to determine the role of this variant in disease. Therefore, it has been classified as a Variant of Uncertain Significance.

Women's Health and Genetics/Laboratory Corporation of America, LabCorp
Classification: Uncertain significance. Last evaluated: 2024-06-10. Review status: criteria provided, single submitter. Criteria: LabCorp Variant Classification Summary - May 2015. Collection method: clinical testing. Allele origin: germline.
Comment: Variant summary: PLEC c.9697G>A (p.Gly3233Arg) results in a non-conservative amino acid change in the encoded protein sequence. Five of five in-silico tools predict a damaging effect of the variant on protein function. The variant allele was found at a frequency of 3e-05 in 233072 control chromosomes. The available data on variant occurrences in the general population are insufficient to allow any conclusion about variant significance. To our knowledge, no occurrence of c.9697G>A in individuals affected with PLEC1-Related Disorders and no experimental evidence demonstrating its impact on protein function have been reported. ClinVar contains an entry for this variant (Variation ID: 955856). Based on the evidence outlined above, the variant was classified as uncertain significance.

Revvity Omics, Revvity
Classification: Uncertain significance. Last evaluated: 2019-08-21. Review status: criteria provided, single submitter. Criteria: ACMG Guidelines, 2015. Collection method: clinical testing. Allele origin: germline.

GeneDx
Classification: Uncertain significance. Last evaluated: 2019-08-05. Review status: criteria provided, single submitter. Criteria: GeneDx Variant Classification Process June 2021. Collection method: clinical testing. Allele origin: germline. Affected: yes.
Comment: Not observed at a significant frequency in large population cohorts (Lek et al., 2016); In silico analysis, which includes protein predictors and evolutionary conservation, supports a deleterious effect; Missense variant in a gene in which most reported pathogenic variants are truncating/loss-of-function; Has not been previously published as pathogenic or benign to our knowledge